The following is an entry in ClinVar:

NM_199420.4(POLQ):c.2931T>A (p.Asn977Lys)

Gene: POLQ (DNA polymerase theta; minus strand). Cytogenetic location: 3q13.33.
Variant type: single nucleotide variant.
Coding change: c.2931T>A on transcript NM_199420.4 (MANE Select); coding-DNA position 2931, T replaced by A.
Protein change: p.Asn977Lys; replaces asparagine 977 with lysine.
Molecular consequence: missense variant.
Genome position (GRCh38, 1-based): chr3:121,490,000, A>T on the plus strand (T>A on the coding strand, the complement: POLQ is on the minus strand). VCF-style: chr3-121490000-A-T. GRCh37 (hg19) VCF-style: chr3-121208847-A-T.
Other names: short protein forms N977K.
Identifiers: ClinVar variation 1797828 (VCV001797828.2), dbSNP rs567790391, ClinGen allele CA2563157.

ClinVar aggregate classification (germline): Uncertain significance (1 of 4 stars; one submission).

Allele frequency attached by ClinVar (database versions not stated): TOPMed below 0.00001; gnomAD exomes 0.00001; ExAC 0.00003; gnomAD 0.00003; 1000 Genomes Project 0.00020; 1000 Genomes Project 30x 0.00031.
gnomAD v4.1: 18 of 1,580,592 alleles (0.0011%); highest among the groups gnomAD compares: South Asian, 0.02%; no homozygotes.

Submission:

Ambry Genetics
Classification: Uncertain significance. Last evaluated: 2022-03-18. Review status: criteria provided, single submitter. Criteria: Ambry Variant Classification Scheme 2023. Collection method: clinical testing. Allele origin: germline.
Comment: The p.N977K variant (also known as c.2931T>A), located in coding exon 16 of the POLQ gene, results from a T to A substitution at nucleotide position 2931. The asparagine at codon 977 is replaced by lysine, an amino acid with similar properties. This amino acid position is conserved. In addition, this alteration is predicted to be tolerated by in silico analysis. Since supporting evidence is limited at this time, the clinical significance of this alteration remains unclear.